The following is an entry in ClinVar:

ClinVar aggregate classification (germline): Uncertain significance (1 of 4 stars; one submission).

Conditions:
Hyperkalemic periodic paralysis. Also called: Familial hyperkalemic periodic paralysis; Gamstorp disease. Identifiers: Orphanet 682, MedGen C0238357, MONDO:0008224, OMIM 170500, HP:0007215.

Submission:

Labcorp Genetics (formerly Invitae), Labcorp
Classification: Uncertain significance for Hyperkalemic periodic paralysis. Last evaluated: 2023-08-28. Review status: criteria provided, single submitter. Criteria: Invitae Variant Classification Sherloc (09022015). Collection method: clinical testing. Allele origin: germline.
Comment: In summary, the available evidence is currently insufficient to determine the role of this variant in disease. Therefore, it has been classified as a Variant of Uncertain Significance. Advanced modeling of protein sequence and biophysical properties (such as structural, functional, and spatial information, amino acid conservation, physicochemical variation, residue mobility, and thermodynamic stability) has been performed at Invitae for this missense variant, however the output from this modeling did not meet the statistical confidence thresholds required to predict the impact of this variant on SCN4A protein function. This variant has not been reported in the literature in individuals affected with SCN4A-related conditions. This variant is not present in population databases (gnomAD no frequency). This sequence change replaces leucine, which is neutral and non-polar, with proline, which is neutral and non-polar, at codon 6 of the SCN4A protein (p.Leu6Pro).

NM_000334.4(SCN4A):c.17T>C (p.Leu6Pro)

Gene: SCN4A (sodium voltage-gated channel alpha subunit 4; minus strand). Cytogenetic location: 17q23.3.
Variant type: single nucleotide variant.
Coding change: c.17T>C on transcript NM_000334.4 (MANE Select); coding-DNA position 17, T replaced by C.
Protein change: p.Leu6Pro; replaces leucine 6 with proline.
Molecular consequence: missense variant.
Genome position (GRCh38, 1-based): chr17:63,972,825, A>G on the plus strand (T>C on the coding strand, the complement: SCN4A is on the minus strand). VCF-style: chr17-63972825-A-G. GRCh37 (hg19) VCF-style: chr17-62050185-A-G.
Other names: short protein forms L6P.
Identifiers: ClinVar variation 2819295 (VCV002819295.3), dbSNP rs2509325890, ClinGen allele CA400640627.